The following is an entry in ClinVar:

ClinVar aggregate classification (germline): Uncertain significance (1 of 4 stars; one submission).

Conditions:
Congenital myasthenic syndrome 8. Also called: MYASTHENIC SYNDROME, CONGENITAL, DUE TO AGRIN DEFICIENCY; Myasthenic syndrome, congenital, 8, with pre- and postsynaptic defects. Identifiers: Orphanet 590, MedGen C3808739, MONDO:0014052, OMIM 615120.

gnomAD v4.1: 27 of 1,613,412 alleles (0.0017%); highest among the groups gnomAD compares: South Asian, 0.027%; 1 homozygote.

Submission:

Labcorp Genetics (formerly Invitae), Labcorp
Classification: Uncertain significance for Congenital myasthenic syndrome 8. Last evaluated: 2024-05-20. Review status: criteria provided, single submitter. Criteria: Invitae Variant Classification Sherloc (09022015). Collection method: clinical testing. Allele origin: germline.
Comment: This sequence change replaces serine, which is neutral and polar, with arginine, which is basic and polar, at codon 965 of the AGRN protein (p.Ser965Arg). This variant is present in population databases (rs748949701, gnomAD 0.02%). This variant has not been reported in the literature in individuals affected with AGRN-related conditions. An algorithm developed to predict the effect of missense changes on protein structure and function (PolyPhen-2) suggests that this variant is likely to be disruptive. In summary, the available evidence is currently insufficient to determine the role of this variant in disease. Therefore, it has been classified as a Variant of Uncertain Significance.

NM_198576.4(AGRN):c.2895C>G (p.Ser965Arg)

Gene: AGRN (agrin; plus strand). Cytogenetic location: 1p36.33.
Variant type: single nucleotide variant.
Coding change: c.2895C>G on transcript NM_198576.4 (MANE Select); coding-DNA position 2895, C replaced by G.
Protein change: p.Ser965Arg; replaces serine 965 with arginine.
Molecular consequence: missense variant.
Genome position (GRCh38, 1-based): chr1:1,046,249, C>G. VCF-style: chr1-1046249-C-G. GRCh37 (hg19) VCF-style: chr1-981629-C-G.
Other names: c.2895C>G, p.Ser965Arg (NM_001305275.2); c.2580C>G, p.Ser860Arg (NM_001364727.2); short protein forms S860R, S965R.
Identifiers: ClinVar variation 3725446 (VCV003725446.1).